The following is an entry in ClinVar:

NM_000245.4(MET):c.4044C>T (p.His1348=)

Gene: MET (MET proto-oncogene, receptor tyrosine kinase; plus strand). Cytogenetic location: 7q31.2.
Variant type: single nucleotide variant.
Coding change: c.4044C>T on transcript NM_000245.4 (MANE Select); coding-DNA position 4044, C replaced by T.
Protein change: p.His1348=; no amino-acid change (histidine 1348 retained).
Molecular consequence: synonymous variant.
Genome position (GRCh38, 1-based): chr7:116,795,995, C>T. VCF-style: chr7-116795995-C-T. GRCh37 (hg19) VCF-style: chr7-116436049-C-T.
Other names: c.4098C>T, p.His1366= (NM_001127500.3); c.2754C>T, p.His918= (NM_001324402.2).
Identifiers: ClinVar variation 978481 (VCV000978481.13), dbSNP rs1386889641, ClinGen allele CA457462577.

ClinVar aggregate classification (germline): Benign/Likely benign. Review status: criteria provided, multiple submitters, no conflicts (2 of 4 stars). 3 submissions from 3 submitters: Benign (1); Likely benign (2). Last evaluated 2024-11-15.

Conditions:
Renal cell carcinoma. Identifiers: Orphanet 217071, MedGen C0007134, MeSH D002292, MONDO:0005086, HP:0005584.
Papillary renal cell carcinoma type 1 (RCCP1). Also called: Renal adenocarcinoma; Renal cell carcinoma 1; Renal cell carcinoma, somatic; RENAL CELL CARCINOMA, PAPILLARY, 1, SOMATIC. Identifiers: Orphanet 47044, MedGen C1336839, OMIM 605074, HP:0011797.
Hereditary cancer-predisposing syndrome. Also called: Neoplastic Syndromes, Hereditary; Hereditary Cancer Syndrome; Tumor predisposition; Hereditary neoplastic syndrome. Identifiers: Orphanet 140162, MedGen C0027672, MeSH D009386, MONDO:0015356.

Allele frequency attached by ClinVar (database versions not stated): gnomAD exomes below 0.00001.

Submissions (3):

Myriad Genetics, Inc.
Classification: Benign for Papillary renal cell carcinoma type 1. Last evaluated: 2024-11-15. Review status: criteria provided, single submitter. Criteria: Myriad Autosomal Dominant, Autosomal Recessive and X-Linked Classification Criteria (2023). Collection method: clinical testing. Allele origin: unknown.
Comment: This variant is considered benign. This variant is a silent/synonymous amino acid change and it is not expected to impact splicing.

Labcorp Genetics (formerly Invitae), Labcorp
Classification: Likely benign for Renal cell carcinoma. Last evaluated: 2023-09-18. Review status: criteria provided, single submitter. Criteria: Invitae Variant Classification Sherloc (09022015). Collection method: clinical testing. Allele origin: germline.

Ambry Genetics
Classification: Likely benign for Hereditary cancer-predisposing syndrome. Last evaluated: 2021-09-30. Review status: criteria provided, single submitter. Criteria: Ambry Variant Classification Scheme 2023. Collection method: clinical testing. Allele origin: germline.